The following is an entry in ClinVar:

ClinVar aggregate classification (germline): Pathogenic (1 of 4 stars; one submission).

Conditions:
Marfan syndrome (MFS). Also called: Marfan syndrome type 1; Marfan's syndrome; FBN1-Related Marfan Syndrome; MARFAN SYNDROME, TYPE I; Marfan syndrome, classic. Identifiers: Orphanet 284963, Orphanet 558, MedGen C0024796, MONDO:0007947, OMIM 154700.
Familial thoracic aortic aneurysm and aortic dissection (TAAD). Also called: Thoracic aortic aneurysms and dissections. Identifiers: Orphanet 91387, MedGen C4707243, MONDO:0019625.

Submission:

Labcorp Genetics (formerly Invitae), Labcorp
Classification: Pathogenic for Marfan syndrome; Familial thoracic aortic aneurysm and aortic dissection. Last evaluated: 2021-08-07. Review status: criteria provided, single submitter. Criteria: Invitae Variant Classification Sherloc (09022015). Collection method: clinical testing. Allele origin: germline.
Comment: For these reasons, this variant has been classified as Pathogenic. This variant disrupts the p.Cys1265 amino acid residue in FBN1. Other variant(s) that disrupt this residue have been observed in individuals with FBN1-related conditions (PMID: 9837823, 18435798, 19293843), which suggests that this may be a clinically significant amino acid residue. This variant affects a cysteine residue in the EGF-like, TGFBP or hybrid motif domains of FBN1. Cysteine residues are believed to be involved in intramolecular disulfide bridges and have been shown to be important for FBN1 protein structure (PMID: 16905551, 19349279). In addition, missense substitutions affecting cysteine residues within these domains are significantly overrepresented among patients with Marfan syndrome (PMID: 16571647, 17701892). Advanced modeling of protein sequence and biophysical properties (such as structural, functional, and spatial information, amino acid conservation, physicochemical variation, residue mobility, and thermodynamic stability) performed at Invitae indicates that this missense variant is expected to disrupt FBN1 protein function. This variant has not been reported in the literature in individuals affected with FBN1-related conditions. This variant is not present in population databases (ExAC no frequency). This sequence change replaces cysteine with phenylalanine at codon 1265 of the FBN1 protein (p.Cys1265Phe). The cysteine residue is highly conserved and there is a large physicochemical difference between cysteine and phenylalanine.

Literature cited by the submitters: PubMed 9837823; PubMed 18435798; PubMed 19293843; PubMed 16905551; PubMed 19349279; PubMed 16571647; PubMed 17701892.

NM_000138.5(FBN1):c.3794G>T (p.Cys1265Phe)

Gene: FBN1 (fibrillin 1; minus strand). Cytogenetic location: 15q21.1.
Variant type: single nucleotide variant.
Coding change: c.3794G>T on transcript NM_000138.5 (MANE Select); coding-DNA position 3794, G replaced by T.
Protein change: p.Cys1265Phe; replaces cysteine 1265 with phenylalanine.
Molecular consequence: missense variant.
Genome position (GRCh38, 1-based): chr15:48,483,862, C>A on the plus strand (G>T on the coding strand, the complement: FBN1 is on the minus strand). VCF-style: chr15-48483862-C-A. GRCh37 (hg19) VCF-style: chr15-48776059-C-A.
Other names: short protein forms C1265F.
Identifiers: ClinVar variation 1406071 (VCV001406071.6), dbSNP rs1555398279, ClinGen allele CA392323787.